The following is an entry in ClinVar:

NC_000011.9:g.(?_544700)_(544800_?)del

Gene: LRRC56 (leucine rich repeat containing 56; plus strand). Cytogenetic location: 11p15.5.
Variant type: Deletion.
Identifiers: ClinVar variation 3244795 (VCV003244795.1).

ClinVar aggregate classification (germline): Pathogenic (1 of 4 stars; one submission).

Submission:

Labcorp Genetics (formerly Invitae), Labcorp
Classification: Pathogenic. Last evaluated: 2023-12-09. Review status: criteria provided, single submitter. Criteria: Invitae Variant Classification Sherloc (09022015). Collection method: clinical testing. Allele origin: unknown.
Comment: This variant is a gross deletion of the genomic region encompassing exon(s) 6 of the LRRC56 gene. This deletion is out-of-frame, and is expected to create a premature termination codon and result in an absent or disrupted protein product. Loss-of-function variants in LRRC56 are known to be pathogenic (PMID: 30388400). This variant has not been reported in the literature in individuals affected with LRRC56-related conditions. For these reasons, this variant has been classified as Pathogenic.

Literature cited by the submitters: PubMed 30388400.